The following is an entry in ClinVar:

ClinVar aggregate classification (germline): Uncertain significance (1 of 4 stars; one submission).

Conditions:
KIDINS220-related disorder. Also called: KIDINS220-related condition.

Submission:

PreventionGenetics, part of Exact Sciences
Classification: Uncertain significance for KIDINS220-related condition. Last evaluated: 2026-01-30. Review status: criteria provided, single submitter. Criteria: ACMG Guidelines, 2015. Collection method: clinical testing. Allele origin: germline.
Comment: The KIDINS220 c.618A>G variant is not predicted to result in an amino acid change (p.=). This variant is not predicted to alter splicing based on available splicing prediction programs (SpliceAI, Jaganathan et al. 2019. PubMed ID: 30661751). However, the use of computer prediction programs is not equivalent to functional evidence. To our knowledge, this variant has not been reported in the literature or in a large population database (gnomAD), indicating this variant is rare. Although we suspect that this variant may be benign, at this time, the clinical significance of this variant is uncertain due to the absence of conclusive functional and genetic evidence.

NM_020738.4(KIDINS220):c.618A>G (p.Ala206=)

Gene: KIDINS220 (kinase D interacting substrate 220; minus strand). Cytogenetic location: 2p25.1.
Variant type: single nucleotide variant.
Coding change: c.618A>G on transcript NM_020738.4 (MANE Select); coding-DNA position 618, A replaced by G.
Protein change: p.Ala206=; no amino-acid change (alanine 206 retained).
Molecular consequence: synonymous variant. On other transcripts: non-coding transcript variant (2).
Genome position (GRCh38, 1-based): chr2:8,803,113, T>C on the plus strand (A>G on the coding strand, the complement: KIDINS220 is on the minus strand). VCF-style: chr2-8803113-T-C. GRCh37 (hg19) VCF-style: chr2-8943243-T-C.
Other names: c.621A>G, p.Ala207= (NM_001348729.2, NM_001348731.2, NM_001348734.2 and 3 more transcripts); c.618A>G, p.Ala206= (NM_001348732.2, NM_001348735.2, NM_001348738.2 and 3 more transcripts); c.492A>G, p.Ala164= (NM_001348736.2).
Identifiers: ClinVar variation 4989512 (VCV004989512.1).